The following is an entry in ClinVar:

NM_001754.5(RUNX1):c.941C>G (p.Ser314Cys)

Gene: RUNX1 (RUNX family transcription factor 1; minus strand). Cytogenetic location: 21q22.12.
Variant type: single nucleotide variant.
Coding change: c.941C>G on transcript NM_001754.5 (MANE Select); coding-DNA position 941, C replaced by G.
Protein change: p.Ser314Cys; replaces serine 314 with cysteine.
Molecular consequence: missense variant.
Genome position (GRCh38, 1-based): chr21:34,799,327, G>C on the plus strand (C>G on the coding strand, the complement: RUNX1 is on the minus strand). VCF-style: chr21-34799327-G-C. GRCh37 (hg19) VCF-style: chr21-36171624-G-C.
Other names: NM_001754.5(RUNX1):c.941C>G; p.Ser314Cys; c.860C>G, p.Ser287Cys (NM_001001890.3); short protein forms S287C, S314C.
Identifiers: ClinVar variation 1018620 (VCV001018620.9), dbSNP rs2056575081, ClinGen allele CA410149614.
Genomic context (GRCh38, chr21:34,799,327, plus strand): 5'-TCAGCTGCAAAGAATGTGTTTTCAAGTGGCTTACTTGAGAGTCGACTGGAAAGTTCTGCA[G>C]AGAGGGTTGTCATGCCGCTGGCACGTCCAGGTGAAATGGGCGTTGCTGGGTGCACAGAAG-3'
Protein context (NP_001745.2, residues 304-324): PGRASGMTTL[Ser314Cys]AELSSRLSTA

ClinVar aggregate classification (germline): Uncertain significance. Review status: reviewed by expert panel (3 of 4 stars). 2 submissions from 2 submitters: Uncertain significance (1). 1 of the submissions does not count toward it. Last evaluated 2024-09-25.

Conditions:
Hereditary thrombocytopenia and hematological cancer predisposition syndrome associated with RUNX1. Also called: Familial thrombocytopenia with propensity to acute myelogenous leukemia; PLATELET DISORDER, ASPIRIN-LIKE; RUNX1 Familial Platelet Disorder with Associated Myeloid Malignancies; Familial Platelet Disorder with Propensity to Acute Myelogenous Leukemia. Identifiers: Orphanet 71290, MedGen C1832388, MeSH C563324, MONDO:0100083, OMIM 601399.
Hereditary thrombocytopenia and hematologic cancer predisposition syndrome. Identifiers: Orphanet 71290, MedGen CN281654, MONDO:0011071.

Submissions (2):

ClinGen Myeloid Malignancy Variant Curation Expert Panel
Classification: Uncertain significance for Hereditary thrombocytopenia and hematologic cancer predisposition syndrome. Last evaluated: 2024-09-25. Review status: reviewed by expert panel. Criteria: ClinGen MyeloMalig ACMG Specifications v2. Collection method: curation. Allele origin: germline. Inheritance: Autosomal dominant inheritance.
Comment: NM_001754.5(RUNX1):c.941C>G (p.Ser314Cys) is a missense variant. This variant is completely absent from all population databases with at least 20x coverage for RUNX1 (PM2_supporting). This missense variant has a REVEL score <0.50 (0.265) and a spliceAI score <0.2 (0.01) (BP4). In summary, the clinical significance of this variant is uncertain. ACMG/AMP criteria applied, as specified by the Myeloid Malignancy Variant Curation Expert Panel for RUNX1: PM2_supporting, BP4.

Labcorp Genetics (formerly Invitae), Labcorp
Classification: Uncertain significance for Hereditary thrombocytopenia and hematological cancer predisposition syndrome associated with RUNX1. Last evaluated: 2020-08-06. Review status: criteria provided, single submitter. Criteria: Invitae Variant Classification Sherloc (09022015). Collection method: clinical testing. Allele origin: germline. Not counted in ClinVar's aggregate classification.
Comment: In summary, the available evidence is currently insufficient to determine the role of this variant in disease. Therefore, it has been classified as a Variant of Uncertain Significance. Algorithms developed to predict the effect of missense changes on protein structure and function are either unavailable or do not agree on the potential impact of this missense change (SIFT: "Deleterious"; PolyPhen-2: "Possibly Damaging"; Align-GVGD: "Class C0"). This variant has not been reported in the literature in individuals with RUNX1-related conditions. This variant is not present in population databases (ExAC no frequency). This sequence change replaces serine with cysteine at codon 314 of the RUNX1 protein (p.Ser314Cys). The serine residue is moderately conserved and there is a moderate physicochemical difference between serine and cysteine.